The following is an entry in ClinVar:

NM_203447.4(DOCK8):c.3355G>C (p.Ala1119Pro)

Gene: DOCK8 (dedicator of cytokinesis 8; plus strand). Cytogenetic location: 9p24.3.
Variant type: single nucleotide variant.
Coding change: c.3355G>C on transcript NM_203447.4 (MANE Select); coding-DNA position 3355, G replaced by C.
Protein change: p.Ala1119Pro; replaces alanine 1119 with proline.
Molecular consequence: missense variant.
Genome position (GRCh38, 1-based): chr9:405,038, G>C. VCF-style: chr9-405038-G-C. GRCh37 (hg19) VCF-style: chr9-405038-G-C.
Other names: c.3055G>C, p.Ala1019Pro (NM_001190458.2); c.3151G>C, p.Ala1051Pro (NM_001193536.2); short protein forms A1119P, A1051P, A1019P.
Identifiers: ClinVar variation 3652508 (VCV003652508.2).

ClinVar aggregate classification (germline): Uncertain significance (1 of 4 stars; one submission).

Conditions:
Combined immunodeficiency due to DOCK8 deficiency (HIES2). Also called: HIES autosomal recessive; HYPER-IgE SYNDROME 2, AUTOSOMAL RECESSIVE, WITH RECURRENT INFECTIONS; Hyper-IgE recurrent infection syndrome, autosomal recessive; HYPER-IgE RECURRENT INFECTION SYNDROME 2, AUTOSOMAL RECESSIVE; DOCK8 Deficiency. Identifiers: Orphanet 217390, MedGen C4722305, MONDO:0009478, OMIM 243700.

gnomAD v4.1: 3 of 1,613,734 alleles (0.00019%); highest among the groups gnomAD compares: Non-Finnish European, 0.00025%; no homozygotes.

Submission:

Labcorp Genetics (formerly Invitae), Labcorp
Classification: Uncertain significance for Combined immunodeficiency due to DOCK8 deficiency. Last evaluated: 2024-05-07. Review status: criteria provided, single submitter. Criteria: Invitae Variant Classification Sherloc (09022015). Collection method: clinical testing. Allele origin: germline.
Comment: This sequence change replaces alanine, which is neutral and non-polar, with proline, which is neutral and non-polar, at codon 1119 of the DOCK8 protein (p.Ala1119Pro). This variant is not present in population databases (gnomAD no frequency). This variant has not been reported in the literature in individuals affected with DOCK8-related conditions. Advanced modeling of protein sequence and biophysical properties (such as structural, functional, and spatial information, amino acid conservation, physicochemical variation, residue mobility, and thermodynamic stability) performed at Invitae indicates that this missense variant is not expected to disrupt DOCK8 protein function with a negative predictive value of 80%. In summary, the available evidence is currently insufficient to determine the role of this variant in disease. Therefore, it has been classified as a Variant of Uncertain Significance.